The following is an entry in ClinVar:

NM_004984.4(KIF5A):c.593T>C (p.Met198Thr)

Gene: KIF5A (kinesin family member 5A; plus strand). Cytogenetic location: 12q13.3.
Variant type: single nucleotide variant.
Coding change: c.593T>C on transcript NM_004984.4 (MANE Select); coding-DNA position 593, T replaced by C.
Protein change: p.Met198Thr; replaces methionine 198 with threonine.
Molecular consequence: missense variant.
Genome position (GRCh38, 1-based): chr12:57,567,497, T>C. VCF-style: chr12-57567497-T-C. GRCh37 (hg19) VCF-style: chr12-57961280-T-C.
Other names: c.326T>C, p.Met109Thr (NM_001354705.2); short protein forms M109T, M198T.
Identifiers: ClinVar variation 2726783 (VCV002726783.4), dbSNP rs2540497483, ClinGen allele CA385498956.

ClinVar aggregate classification (germline): Uncertain significance. Review status: criteria provided, multiple submitters, no conflicts (2 of 4 stars). 2 submissions from 2 submitters: Uncertain significance (2). Last evaluated 2023-07-09.

Conditions:
Spastic paraplegia. Identifiers: MedGen C0037772, HP:0001258.

Submissions (2):

Labcorp Genetics (formerly Invitae), Labcorp
Classification: Uncertain significance for Spastic paraplegia. Last evaluated: 2023-07-09. Review status: criteria provided, single submitter. Criteria: Invitae Variant Classification Sherloc (09022015). Collection method: clinical testing. Allele origin: germline.
Comment: Experimental studies have shown that this missense change affects KIF5A function (PMID: 28678816). In summary, the available evidence is currently insufficient to determine the role of this variant in disease. Therefore, it has been classified as a Variant of Uncertain Significance. Advanced modeling of protein sequence and biophysical properties (such as structural, functional, and spatial information, amino acid conservation, physicochemical variation, residue mobility, and thermodynamic stability) has been performed at Invitae for this missense variant, however the output from this modeling did not meet the statistical confidence thresholds required to predict the impact of this variant on KIF5A protein function. This missense change has been observed in individual(s) with autosomal dominant hereditary spastic paraplegia (PMID: 18853458). This variant is not present in population databases (gnomAD no frequency). This sequence change replaces methionine, which is neutral and non-polar, with threonine, which is neutral and polar, at codon 198 of the KIF5A protein (p.Met198Thr).

Blueprint Genetics
Classification: Uncertain significance. Last evaluated: 2021-06-17. Review status: criteria provided, single submitter. Criteria: ACMG Guidelines, 2015. Collection method: clinical testing. Allele origin: germline.

Literature cited by the submitters: PubMed 28678816 (cited by Labcorp Genetics (formerly Invitae), Labcorp); PubMed 18853458 (cited by Labcorp Genetics (formerly Invitae), Labcorp).